The following is an entry in ClinVar:

ClinVar aggregate classification (germline): Likely benign (1 of 4 stars; one submission).

gnomAD v4.1: 5,799 of 1,192,032 alleles (0.49%); highest among the groups gnomAD compares: Middle Eastern, 1.2%; 27 homozygotes.

Submission:

CeGaT Center for Human Genetics Tuebingen
Classification: Likely benign. Last evaluated: 2026-07-01. Review status: criteria provided, single submitter. Criteria: CeGaT Center For Human Genetics Tuebingen Variant Classification Criteria Version 2. Collection method: clinical testing. Allele origin: germline. Affected: yes. Observed: 12 variant alleles.
Comment: INTS1: BS2

NM_001080453.3(INTS1):c.-41-25T>A

Gene: INTS1 (integrator complex subunit 1; minus strand). Cytogenetic location: 7p22.3.
Variant type: single nucleotide variant.
Coding change: c.-41-25T>A on transcript NM_001080453.3 (MANE Select); 25 bases into the intron before 41 bases upstream of the start codon, T replaced by A.
Molecular consequence: intron variant.
Genome position (GRCh38, 1-based): chr7:1,504,026, A>T on the plus strand (T>A on the coding strand, the complement: INTS1 is on the minus strand). VCF-style: chr7-1504026-A-T. GRCh37 (hg19) VCF-style: chr7-1543662-A-T.
Identifiers: ClinVar variation 3388106 (VCV003388106.14).
Genomic context (GRCh38, chr7:1,504,026, plus strand): 5'-CCCGTCCCTCGCGGCTCCCGGCGGCTGCGGCGTCACCTGCGGAGGAGCCAGCGTGCGGTC[A>T]TTCCTTCACTCATTCGCTCGTTCGCTCGCTCATTCGCTCCCTTGCCGCACGGGGCTTGGG-3'